The following is an entry in ClinVar:

NM_032119.4(ADGRV1):c.3741G>A (p.Glu1247=)

Gene: ADGRV1 (adhesion G protein-coupled receptor V1; plus strand). Cytogenetic location: 5q14.3.
Variant type: single nucleotide variant.
Coding change: c.3741G>A on transcript NM_032119.4 (MANE Select); coding-DNA position 3741, G replaced by A.
Protein change: p.Glu1247=; no amino-acid change (glutamic acid 1247 retained).
Molecular consequence: synonymous variant. On other transcripts: non-coding transcript variant (1).
Genome position (GRCh38, 1-based): chr5:90,653,315, G>A. VCF-style: chr5-90653315-G-A. GRCh37 (hg19) VCF-style: chr5-89949132-G-A.
Identifiers: ClinVar variation 178358 (VCV000178358.16), dbSNP rs371571867, ClinGen allele CA182173.

ClinVar aggregate classification (germline): Benign/Likely benign. Review status: criteria provided, multiple submitters, no conflicts (2 of 4 stars). 4 submissions from 4 submitters: Benign (1); Likely benign (2). 1 of the submissions does not count toward it. Last evaluated 2025-12-17.

Conditions:
ADGRV1-related disorder. Also called: ADGRV1-related condition; ADGRV1-related disorders.

Allele frequency attached by ClinVar (database versions not stated): TOPMed 0.00009; 1000 Genomes Project 30x 0.00016; ESP Exome Variant Server 0.00016; gnomAD exomes 0.00016 and 0.00038; gnomAD 0.00025 and 0.00026; ExAC 0.00045.
gnomAD v4.1: 298 of 1,613,942 alleles (0.018%); highest among the groups gnomAD compares: Non-Finnish European, 0.0085%; no homozygotes.

Submissions (4):

Labcorp Genetics (formerly Invitae), Labcorp
Classification: Benign. Last evaluated: 2025-12-17. Review status: criteria provided, single submitter. Criteria: Invitae Variant Classification Sherloc (09022015). Collection method: clinical testing. Allele origin: germline.

Blueprint Genetics
Classification: Likely benign. Last evaluated: 2024-10-10. Review status: criteria provided, single submitter. Criteria: ACMG Guidelines, 2015. Collection method: clinical testing. Allele origin: germline.

Laboratory for Molecular Medicine, Mass General Brigham Personalized Medicine
Classification: Likely benign. Last evaluated: 2012-04-30. Review status: criteria provided, single submitter. Criteria: LMM Criteria. Collection method: clinical testing. Allele origin: germline. Observed: 1 variant allele.
Comment: Glu1247Glu in Exon 20 of GPR98: This variant is not expected to have clinical si gnificance because it does not alter an amino acid residue, is not located withi n the splice consensus sequence, and has been identified in 1/6686 European Amer ican chromosomes from a broad population by the NHLBI Exome Sequencing Project.

PreventionGenetics, part of Exact Sciences
Classification: Likely benign for ADGRV1-related condition. Last evaluated: 2019-09-09. Review status: no assertion criteria provided. Collection method: clinical testing. Allele origin: germline. Not counted in ClinVar's aggregate classification.
Comment: This variant is classified as likely benign based on ACMG/AMP sequence variant interpretation guidelines (Richards et al. 2015 PMID: 25741868, with internal and published modifications).